The following is an entry in ClinVar:

NM_001457.4(FLNB):c.7169A>G (p.Tyr2390Cys)

Genes: FLNB (filamin B; plus strand), FLNB-AS1 (FLNB antisense RNA 1; minus strand). Cytogenetic location: 3p14.3.
Variant type: single nucleotide variant.
Coding change: c.7169A>G on transcript NM_001457.4 (MANE Select); coding-DNA position 7169, A replaced by G.
Protein change: p.Tyr2390Cys; replaces tyrosine 2390 with cysteine.
Molecular consequence: missense variant. On other transcripts: non-coding transcript variant (1).
Genome position (GRCh38, 1-based): chr3:58,163,301, A>G. VCF-style: chr3-58163301-A-G. GRCh37 (hg19) VCF-style: chr3-58149028-A-G.
Other names: c.7262A>G, p.Tyr2421Cys (NM_001164317.2); c.7136A>G, p.Tyr2379Cys (NM_001164318.2); c.7097A>G, p.Tyr2366Cys (NM_001164319.2); short protein forms Y2390C, Y2379C, Y2366C, Y2421C.
Identifiers: ClinVar variation 2979708 (VCV002979708.3), dbSNP rs2097364694, ClinGen allele CA353364957.

ClinVar aggregate classification (germline): Uncertain significance (1 of 4 stars; one submission).

Allele frequency attached by ClinVar (database versions not stated): gnomAD 0.00001; gnomAD exomes 0.00001.
gnomAD v4.1: 9 of 1,614,086 alleles (0.00056%); highest among the groups gnomAD compares: Non-Finnish European, 0.00076%; no homozygotes.

Submission:

Labcorp Genetics (formerly Invitae), Labcorp
Classification: Uncertain significance. Last evaluated: 2023-11-15. Review status: criteria provided, single submitter. Criteria: Invitae Variant Classification Sherloc (09022015). Collection method: clinical testing. Allele origin: germline.
Comment: This sequence change replaces tyrosine, which is neutral and polar, with cysteine, which is neutral and slightly polar, at codon 2390 of the FLNB protein (p.Tyr2390Cys). This variant is not present in population databases (gnomAD no frequency). This variant has not been reported in the literature in individuals affected with FLNB-related conditions. Advanced modeling of protein sequence and biophysical properties (such as structural, functional, and spatial information, amino acid conservation, physicochemical variation, residue mobility, and thermodynamic stability) performed at Invitae indicates that this missense variant is not expected to disrupt FLNB protein function with a negative predictive value of 95%. In summary, the available evidence is currently insufficient to determine the role of this variant in disease. Therefore, it has been classified as a Variant of Uncertain Significance.